The following is an entry in ClinVar:

NM_002454.3(MTRR):c.1619T>G (p.Ile540Ser)

Gene: MTRR (5-methyltetrahydrofolate-homocysteine methyltransferase reductase; plus strand). Cytogenetic location: 5p15.31.
Variant type: single nucleotide variant.
Coding change: c.1619T>G on transcript NM_002454.3 (MANE Select); coding-DNA position 1619, T replaced by G.
Protein change: p.Ile540Ser; replaces isoleucine 540 with serine.
Molecular consequence: missense variant. On other transcripts: non-coding transcript variant (14).
Genome position (GRCh38, 1-based): chr5:7,895,795, T>G. VCF-style: chr5-7895795-T-G. GRCh37 (hg19) VCF-style: chr5-7895908-T-G.
Other names: c.1619T>G, p.Ile540Ser (NM_001364440.2, NM_001364441.2, NM_001364442.2 and 1 more transcripts); short protein forms I540S.
Identifiers: ClinVar variation 1999420 (VCV001999420.4), dbSNP rs2479147775, ClinGen allele CA359159300.

ClinVar aggregate classification (germline): Uncertain significance (1 of 4 stars; one submission).

Conditions:
Methylcobalamin deficiency type cblE (HMAE). Also called: HOMOCYSTINURIA-MEGALOBLASTIC ANEMIA, cblE COMPLEMENTATION TYPE; HOMOCYSTINURIA-MEGALOBLASTIC ANEMIA, cblE TYPE; VITAMIN B12-RESPONSIVE HOMOCYSTINURIA, cblE TYPE. Identifiers: Orphanet 2169, Orphanet 622, MedGen C1856057, MONDO:0009354, OMIM 236270.

Submission:

Labcorp Genetics (formerly Invitae), Labcorp
Classification: Uncertain significance for Methylcobalamin deficiency type cblE. Last evaluated: 2022-05-27. Review status: criteria provided, single submitter. Criteria: Invitae Variant Classification Sherloc (09022015). Collection method: clinical testing. Allele origin: germline.
Comment: This variant is not present in population databases (gnomAD no frequency). This sequence change replaces isoleucine, which is neutral and non-polar, with serine, which is neutral and polar, at codon 540 of the MTRR protein (p.Ile540Ser). This variant has not been reported in the literature in individuals affected with MTRR-related conditions. In summary, the available evidence is currently insufficient to determine the role of this variant in disease. Therefore, it has been classified as a Variant of Uncertain Significance. Algorithms developed to predict the effect of missense changes on protein structure and function are either unavailable or do not agree on the potential impact of this missense change (SIFT: "Deleterious"; PolyPhen-2: "Benign"; Align-GVGD: "Class C0").